The following is an entry in ClinVar:

ClinVar aggregate classification (germline): Conflicting classifications of pathogenicity. Review status: criteria provided, conflicting classifications (1 of 4 stars). 2 submissions from 2 submitters: Uncertain significance (1); Likely benign (1). Last evaluated 2024-11-12.

Conditions:
Inborn genetic diseases. Identifiers: MedGen C0950123, MeSH D030342.

Allele frequency attached by ClinVar (database versions not stated): ExAC 0.00001; gnomAD exomes 0.00001; gnomAD 0.00002; TOPMed 0.00002.
gnomAD v4.1: 16 of 1,613,946 alleles (0.00099%); highest among the groups gnomAD compares: Admixed American, 0.0017%; no homozygotes.

Submissions (2):

Ambry Genetics
Classification: Likely benign for Inborn genetic diseases. Last evaluated: 2024-11-12. Review status: criteria provided, single submitter. Criteria: Ambry Variant Classification Scheme 2023. Collection method: clinical testing. Allele origin: germline.

Labcorp Genetics (formerly Invitae), Labcorp
Classification: Uncertain significance. Last evaluated: 2022-08-09. Review status: criteria provided, single submitter. Criteria: Invitae Variant Classification Sherloc (09022015). Collection method: clinical testing. Allele origin: germline.
Comment: This sequence change replaces arginine, which is basic and polar, with glutamine, which is neutral and polar, at codon 512 of the ADAMTSL4 protein (p.Arg512Gln). This variant is present in population databases (rs763118688, gnomAD 0.002%). This variant has not been reported in the literature in individuals affected with ADAMTSL4-related conditions. ClinVar contains an entry for this variant (Variation ID: 1510571). Algorithms developed to predict the effect of missense changes on protein structure and function output the following: SIFT: "Tolerated"; PolyPhen-2: "Benign"; Align-GVGD: "Class C0". The glutamine amino acid residue is found in multiple mammalian species, which suggests that this missense change does not adversely affect protein function. In summary, the available evidence is currently insufficient to determine the role of this variant in disease. Therefore, it has been classified as a Variant of Uncertain Significance.

NM_019032.6(ADAMTSL4):c.1535G>A (p.Arg512Gln)

Genes: ADAMTSL4 (ADAMTS like 4; plus strand), ADAMTSL4-AS2 (ADAMTSL4 antisense RNA 2; minus strand). Cytogenetic location: 1q21.2.
Variant type: single nucleotide variant.
Coding change: c.1535G>A on transcript NM_019032.6 (MANE Select); coding-DNA position 1535, G replaced by A.
Protein change: p.Arg512Gln; replaces arginine 512 with glutamine.
Molecular consequence: missense variant.
Genome position (GRCh38, 1-based): chr1:150,556,325, G>A. VCF-style: chr1-150556325-G-A. GRCh37 (hg19) VCF-style: chr1-150528801-G-A.
Other names: c.1604G>A, p.Arg535Gln (NM_001288607.2, NM_001288608.2); c.1535G>A, p.Arg512Gln (NM_001378596.1, NM_025008.5); c.1535G>A (NM_019032.4); short protein forms R535Q, R512Q.
Identifiers: ClinVar variation 1510571 (VCV001510571.6), dbSNP rs763118688, ClinGen allele CA1078294.